The following is an entry in ClinVar:

ClinVar aggregate classification (germline): Uncertain significance (1 of 4 stars; one submission).

Conditions:
Early-onset Lafora body disease. Also called: Epilepsy, progressive myoclonic, 10. Identifiers: Orphanet 324290, MedGen C4225258, MONDO:0014717, OMIM 616640.

Allele frequency attached by ClinVar (database versions not stated): ExAC below 0.00001; gnomAD 0.00001; gnomAD exomes 0.00001 and 0.00005; TOPMed 0.00001.
gnomAD v4.1: 13 of 1,531,578 alleles (0.00085%); highest among the groups gnomAD compares: Admixed American, 0.016%; no homozygotes.

Submission:

Labcorp Genetics (formerly Invitae), Labcorp
Classification: Uncertain significance for Early-onset Lafora body disease. Last evaluated: 2023-12-11. Review status: criteria provided, single submitter. Criteria: Invitae Variant Classification Sherloc (09022015). Collection method: clinical testing. Allele origin: germline.
Comment: This sequence change replaces arginine, which is basic and polar, with cysteine, which is neutral and slightly polar, at codon 383 of the PRDM8 protein (p.Arg383Cys). This variant is present in population databases (rs775117967, gnomAD 0.02%). This variant has not been reported in the literature in individuals affected with PRDM8-related conditions. ClinVar contains an entry for this variant (Variation ID: 576200). Advanced modeling of protein sequence and biophysical properties (such as structural, functional, and spatial information, amino acid conservation, physicochemical variation, residue mobility, and thermodynamic stability) performed at Invitae indicates that this missense variant is not expected to disrupt PRDM8 protein function with a negative predictive value of 80%. In summary, the available evidence is currently insufficient to determine the role of this variant in disease. Therefore, it has been classified as a Variant of Uncertain Significance.

NM_001099403.2(PRDM8):c.1147C>T (p.Arg383Cys)

Gene: PRDM8 (PR/SET domain 8; plus strand). Cytogenetic location: 4q21.21.
Variant type: single nucleotide variant.
Coding change: c.1147C>T on transcript NM_001099403.2 (MANE Select); coding-DNA position 1147, C replaced by T.
Protein change: p.Arg383Cys; replaces arginine 383 with cysteine.
Molecular consequence: missense variant.
Genome position (GRCh38, 1-based): chr4:80,202,609, C>T. VCF-style: chr4-80202609-C-T. GRCh37 (hg19) VCF-style: chr4-81123763-C-T.
Other names: c.1147C>T, p.Arg383Cys (NM_020226.4); short protein forms R383C.
Identifiers: ClinVar variation 576200 (VCV000576200.9), dbSNP rs775117967, ClinGen allele CA2982379.